The following is an entry in ClinVar:

ClinVar aggregate classification (germline): Uncertain significance (1 of 4 stars; one submission).

Submission:

GeneDx
Classification: Uncertain significance. Last evaluated: 2023-01-13. Review status: criteria provided, single submitter. Criteria: GeneDx Variant Classification Process June 2021. Collection method: clinical testing. Allele origin: germline. Affected: yes.
Comment: Not observed at significant frequency in large population cohorts (gnomAD); In silico analysis supports that this missense variant does not alter protein structure/function; Has not been previously published as pathogenic or benign to our knowledge

NM_017780.4(CHD7):c.2779G>A (p.Ala927Thr)

Gene: CHD7 (chromodomain helicase DNA binding protein 7; plus strand). Cytogenetic location: 8q12.2.
Variant type: single nucleotide variant.
Coding change: c.2779G>A on transcript NM_017780.4 (MANE Select); coding-DNA position 2779, G replaced by A.
Protein change: p.Ala927Thr; replaces alanine 927 with threonine.
Molecular consequence: missense variant. On other transcripts: intron variant (1).
Genome position (GRCh38, 1-based): chr8:60,821,871, G>A. VCF-style: chr8-60821871-G-A. GRCh37 (hg19) VCF-style: chr8-61734430-G-A.
Other names: c.1717-40358G>A (NM_001316690.1); short protein forms A927T.
Identifiers: ClinVar variation 2572879 (VCV002572879.1), dbSNP rs2487805256, ClinGen allele CA371307843.